The following is an entry in ClinVar:

NM_019098.5(CNGB3):c.1732A>T (p.Thr578Ser)

Gene: CNGB3 (cyclic nucleotide gated channel subunit beta 3; minus strand). Cytogenetic location: 8q21.3.
Variant type: single nucleotide variant.
Coding change: c.1732A>T on transcript NM_019098.5 (MANE Select); coding-DNA position 1732, A replaced by T.
Protein change: p.Thr578Ser; replaces threonine 578 with serine.
Molecular consequence: missense variant.
Genome position (GRCh38, 1-based): chr8:86,604,142, T>A on the plus strand (A>T on the coding strand, the complement: CNGB3 is on the minus strand). VCF-style: chr8-86604142-T-A. GRCh37 (hg19) VCF-style: chr8-87616370-T-A.
Other names: short protein forms T578S.
Identifiers: ClinVar variation 768249 (VCV000768249.19), dbSNP rs145247723, ClinGen allele CA4799915.

ClinVar aggregate classification (germline): Conflicting classifications of pathogenicity. Review status: criteria provided, conflicting classifications (1 of 4 stars). 8 submissions from 8 submitters: Uncertain significance (1); Likely benign (3). 4 of the submissions do not count toward it. Last evaluated 2026-01-12.

Conditions:
CNGB3-related retinopathy. Also called: CNGB3 retinopathy. Identifiers: MedGen CN305596, MONDO:0100446.
CNGB3-related disorder. Also called: CNGB3-related disorders; CNGB3-related condition. Identifiers: MedGen CN239340.
Achromatopsia. Also called: Rod monochromatism. Identifiers: Orphanet 49382, MedGen C0152200, MONDO:0018852, HP:0011516.

Allele frequency attached by ClinVar (database versions not stated): TOPMed 0.00139; gnomAD 0.00145 and 0.00131; gnomAD exomes 0.00012 and 0.00030; ExAC 0.00035; ESP Exome Variant Server 0.00092; 1000 Genomes Project 30x 0.00094; 1000 Genomes Project 0.00120.
gnomAD v4.1: 381 of 1,613,788 alleles (0.024%); highest among the groups gnomAD compares: African/African-American, 0.45%; no homozygotes.

Submissions (8):

Labcorp Genetics (formerly Invitae), Labcorp
Classification: Likely benign. Last evaluated: 2026-01-12. Review status: criteria provided, single submitter. Criteria: Invitae Variant Classification Sherloc (09022015). Collection method: clinical testing. Allele origin: germline.

Blueprint Genetics
Classification: Likely benign. Last evaluated: 2024-07-04. Review status: criteria provided, single submitter. Criteria: ACMG Guidelines, 2015. Collection method: clinical testing. Allele origin: germline.

Department of Pathology and Laboratory Medicine, Sinai Health System
Classification: Uncertain significance for CNGB3-related retinopathy. Last evaluated: 2021-07-30. Review status: criteria provided, single submitter. Criteria: ACMG Guidelines, 2015. Collection method: research. Allele origin: germline.

Breakthrough Genomics
Classification: Likely benign. Review status: criteria provided, single submitter. Criteria: ACMG Guidelines, 2015. Collection method: not provided. Allele origin: germline. Inheritance: Autosomal recessive inheritance. Affected: yes.

PreventionGenetics, part of Exact Sciences
Classification: Likely benign for CNGB3-related condition. Last evaluated: 2024-08-27. Review status: no assertion criteria provided. Collection method: clinical testing. Allele origin: germline. Not counted in ClinVar's aggregate classification.
Comment: This variant is classified as likely benign based on ACMG/AMP sequence variant interpretation guidelines (Richards et al. 2015 PMID: 25741868, with internal and published modifications).

Natera, Inc.
Classification: Uncertain significance for Achromatopsia. Last evaluated: 2020-01-24. Review status: no assertion criteria provided. Collection method: clinical testing. Allele origin: germline. Not counted in ClinVar's aggregate classification.

Clinical Genetics DNA and cytogenetics Diagnostics Lab, Erasmus MC, Erasmus Medical Center
Classification: Likely benign. Review status: no assertion criteria provided. Collection method: clinical testing. Allele origin: germline. Affected: yes. Study: VKGL Data-share Consensus. Not counted in ClinVar's aggregate classification.

Clinical Genetics, Academic Medical Center
Classification: Likely benign. Review status: no assertion criteria provided. Collection method: clinical testing. Allele origin: germline. Affected: yes. Study: VKGL Data-share Consensus. Not counted in ClinVar's aggregate classification.